The following is an entry in ClinVar:

NM_000310.4(PPT1):c.433+3A>G

Gene: PPT1 (palmitoyl-protein thioesterase 1; minus strand). Cytogenetic location: 1p34.2.
Variant type: single nucleotide variant.
Coding change: c.433+3A>G on transcript NM_000310.4 (MANE Select); 3 bases into the intron after coding-DNA position 433, A replaced by G.
Molecular consequence: intron variant.
Genome position (GRCh38, 1-based): chr1:40,091,326, T>C on the plus strand (A>G on the coding strand, the complement: PPT1 is on the minus strand). VCF-style: chr1-40091326-T-C. GRCh37 (hg19) VCF-style: chr1-40556998-T-C.
Other names: p.?; c.125-1814A>G (NM_001142604.2); c.433+3A>G (NM_001363695.2).
Identifiers: ClinVar variation 4684841 (VCV004684841.1).

ClinVar aggregate classification (germline): Likely benign (1 of 4 stars; one submission).

gnomAD v4.1: 4 of 1,613,332 alleles (0.00025%); highest among the groups gnomAD compares: Non-Finnish European, 0.00034%; no homozygotes.

Submission:

Mayo Clinic Laboratories, Mayo Clinic
Classification: Likely benign. Last evaluated: 2025-05-06. Review status: criteria provided, single submitter. Criteria: ACMG Guidelines, 2015. Collection method: clinical testing. Allele origin: germline. Observed: 1 variant allele.
Comment: BP4, BP7